The following is an entry in ClinVar:

ClinVar aggregate classification (germline): Uncertain significance (1 of 4 stars; one submission).

Conditions:
Hepatic veno-occlusive disease-immunodeficiency syndrome. Also called: Hepatic Veno-Occlusive Disease with Immunodeficiency. Identifiers: Orphanet 79124, MedGen C1856128, MONDO:0009338, OMIM 235550. Disease mechanism: loss of function.

gnomAD v4.1: 1 of 1,588,236 alleles (0.000063%); no homozygotes.

Submission:

Labcorp Genetics (formerly Invitae), Labcorp
Classification: Uncertain significance for Hepatic veno-occlusive disease-immunodeficiency syndrome. Last evaluated: 2020-05-03. Review status: criteria provided, single submitter. Criteria: Invitae Variant Classification Sherloc (09022015). Collection method: clinical testing. Allele origin: germline.
Comment: In summary, the available evidence is currently insufficient to determine the role of this variant in disease. Therefore, it has been classified as a Variant of Uncertain Significance. This variant is not present in population databases (ExAC no frequency). This sequence change replaces aspartic acid with glycine at codon 433 of the SP110 protein (p.Asp433Gly). The aspartic acid residue is weakly conserved and there is a moderate physicochemical difference between aspartic acid and glycine. This variant has not been reported in the literature in individuals with SP110-related conditions. Algorithms developed to predict the effect of missense changes on protein structure and function output the following: SIFT: "Tolerated"; PolyPhen-2: "Benign"; Align-GVGD: "Class C0". The glycine amino acid residue is found in multiple mammalian species, suggesting that this missense change does not adversely affect protein function. These predictions have not been confirmed by published functional studies and their clinical significance is uncertain. Algorithms developed to predict the effect of sequence changes on RNA splicing suggest that this variant may create or strengthen a splice site, but this prediction has not been confirmed by published transcriptional studies.

NM_080424.4(SP110):c.1298A>G (p.Asp433Gly)

Gene: SP110 (SP110 nuclear body protein; minus strand). Cytogenetic location: 2q37.1.
Variant type: single nucleotide variant.
Coding change: c.1298A>G on transcript NM_080424.4 (MANE Select); coding-DNA position 1298, A replaced by G.
Protein change: p.Asp433Gly; replaces aspartic acid 433 with glycine.
Molecular consequence: missense variant.
Genome position (GRCh38, 1-based): chr2:230,183,622, T>C on the plus strand (A>G on the coding strand, the complement: SP110 is on the minus strand). VCF-style: chr2-230183622-T-C. GRCh37 (hg19) VCF-style: chr2-231048338-T-C.
Other names: c.1316A>G, p.Asp439Gly (NM_001185015.2, NM_001378442.1, NM_001378444.1 and 2 more transcripts); c.1298A>G, p.Asp433Gly (NM_001378443.1, NM_004509.5, NM_004510.4); c.1148A>G, p.Asp383Gly (NM_001378447.1); short protein forms D383G, D433G, D439G.
Identifiers: ClinVar variation 1009868 (VCV001009868.8), dbSNP rs1157982871, ClinGen allele CA350906380.